The following is an entry in ClinVar:

NM_177438.3(DICER1):c.2813A>G (p.Asn938Ser)

Gene: DICER1 (dicer 1, ribonuclease III; minus strand). Cytogenetic location: 14q32.13.
Variant type: single nucleotide variant.
Coding change: c.2813A>G on transcript NM_177438.3 (MANE Select); coding-DNA position 2813, A replaced by G.
Protein change: p.Asn938Ser; replaces asparagine 938 with serine.
Molecular consequence: missense variant. On other transcripts: non-coding transcript variant (6).
Genome position (GRCh38, 1-based): chr14:95,106,215, T>C on the plus strand (A>G on the coding strand, the complement: DICER1 is on the minus strand). VCF-style: chr14-95106215-T-C. GRCh37 (hg19) VCF-style: chr14-95572552-T-C.
Other names: c.2531A>G, p.Asn844Ser (NM_001395686.1); c.2408A>G, p.Asn803Ser (NM_001395687.1, NM_001395688.1, NM_001395689.1 and 2 more transcripts); c.2246A>G, p.Asn749Ser (NM_001395691.1); c.2813A>G, p.Asn938Ser (NM_001395692.1, NM_001395693.1, NM_001395694.1 and 13 more transcripts); c.1130A>G, p.Asn377Ser (NM_001395697.1); short protein forms N803S, N938S, N377S, N749S, N844S.
Identifiers: ClinVar variation 2566224 (VCV002566224.3), dbSNP rs2542791959, ClinGen allele CA390879287.

ClinVar aggregate classification (germline): Uncertain significance. Review status: criteria provided, multiple submitters, no conflicts (2 of 4 stars). 2 submissions from 2 submitters: Uncertain significance (2). Last evaluated 2025-06-09.

Conditions:
Hereditary cancer-predisposing syndrome. Also called: Neoplastic Syndromes, Hereditary; Hereditary Cancer Syndrome; Tumor predisposition; Hereditary neoplastic syndrome. Identifiers: Orphanet 140162, MedGen C0027672, MeSH D009386, MONDO:0015356.
DICER1-related tumor predisposition. Also called: DICER1 syndrome; DICER1-related pleuropulmonary blastoma cancer predisposition syndrome. Identifiers: Orphanet 284343, MedGen C3839822, MONDO:0100216.

Submissions (2):

Labcorp Genetics (formerly Invitae), Labcorp
Classification: Uncertain significance for DICER1-related tumor predisposition. Last evaluated: 2025-06-09. Review status: criteria provided, single submitter. Criteria: Invitae Variant Classification Sherloc (09022015). Collection method: clinical testing. Allele origin: germline.
Comment: This sequence change replaces asparagine, which is neutral and polar, with serine, which is neutral and polar, at codon 938 of the DICER1 protein (p.Asn938Ser). This variant is not present in population databases (gnomAD no frequency). This variant has not been reported in the literature in individuals affected with DICER1-related conditions. ClinVar contains an entry for this variant (Variation ID: 2566224). Invitae Evidence Modeling of protein sequence and biophysical properties (such as structural, functional, and spatial information, amino acid conservation, physicochemical variation, residue mobility, and thermodynamic stability) indicates that this missense variant is not expected to disrupt DICER1 protein function with a negative predictive value of 95%. In summary, the available evidence is currently insufficient to determine the role of this variant in disease. Therefore, it has been classified as a Variant of Uncertain Significance.

Ambry Genetics
Classification: Uncertain significance for Hereditary cancer-predisposing syndrome. Last evaluated: 2023-06-01. Review status: criteria provided, single submitter. Criteria: Ambry Variant Classification Scheme 2023. Collection method: clinical testing. Allele origin: germline.
Comment: The p.N938S variant (also known as c.2813A>G), located in coding exon 17 of the DICER1 gene, results from an A to G substitution at nucleotide position 2813. The asparagine at codon 938 is replaced by serine, an amino acid with highly similar properties. This amino acid position is conserved. In addition, this alteration is predicted to be tolerated by in silico analysis. Since supporting evidence is limited at this time, the clinical significance of this alteration remains unclear.